The following is an entry in ClinVar:

ClinVar aggregate classification (germline): Pathogenic (1 of 4 stars; one submission).

Conditions:
Neurofibromatosis, type 1 (NF1). Also called: VON RECKLINGHAUSEN DISEASE; Neurofibromatosis, type I; NEUROFIBROMATOSIS, TYPE I, SOMATIC; Peripheral type neurofibromatosis. Identifiers: Orphanet 636, MedGen C0027831, MONDO:0018975, OMIM 162200. Disease mechanism: loss of function.

Submission:

Labcorp Genetics (formerly Invitae), Labcorp
Classification: Pathogenic for Neurofibromatosis, type 1. Last evaluated: 2021-02-11. Review status: criteria provided, single submitter. Criteria: Invitae Variant Classification Sherloc (09022015). Collection method: clinical testing. Allele origin: germline.
Comment: This variant is not present in population databases (ExAC no frequency). For these reasons, this variant has been classified as Pathogenic. This variant has not been reported in the literature in individuals with NF1-related conditions. This sequence change creates a premature translational stop signal (p.Thr2489Asnfs*26) in the NF1 gene. It is expected to result in an absent or disrupted protein product. Loss-of-function variants in NF1 are known to be pathogenic (PMID: 10712197, 23913538).

Literature cited by the submitters: PubMed 10712197; PubMed 23913538.

NM_001042492.3(NF1):c.7526dup (p.Thr2510fs)

Gene: NF1 (neurofibromin 1; plus strand). Cytogenetic location: 17q11.2.
Variant type: Duplication.
Coding change: c.7526dup on transcript NM_001042492.3 (MANE Select); coding-DNA position 7526, one base duplicated (C; older notation c.7526dupC).
Protein change: p.Thr2510fs; shifts the reading frame from threonine 2510.
Molecular consequence: frameshift variant.
Genome position (GRCh38, 1-based): chr17:31,352,325, C duplicated; the last of 2 consecutive C bases (chr17:31,352,324-31,352,325); duplicating either gives the same sequence. VCF-style (leftmost placement, unchanged base first): chr17-31352323-T-TC. GRCh37 (hg19) VCF-style: chr17-29679341-T-TC.
Other names: c.7463dup, p.Thr2489Asnfs (NM_000267.4); short protein forms T2489fs, T2510fs.
Identifiers: ClinVar variation 1390096 (VCV001390096.6), dbSNP rs2151577150, ClinGen allele CA2573153850.